The following is an entry in ClinVar:

ClinVar aggregate classification (germline): Likely pathogenic (1 of 4 stars; one submission).

Submission:

GeneDx
Classification: Likely pathogenic. Last evaluated: 2025-04-25. Review status: criteria provided, single submitter. Criteria: GeneDx Variant Classification Process June 2021. Collection method: clinical testing. Allele origin: germline. Affected: yes.
Comment: Nonsense variant predicted to result in protein truncation or nonsense mediated decay in a gene for which loss of function is a known mechanism of disease; Not observed at significant frequency in large population cohorts (gnomAD); Has not been previously published as pathogenic or benign to our knowledge

NM_033517.1:c.3931G>T

Gene: SHANK3 (SH3 and multiple ankyrin repeat domains 3; plus strand).
Variant type: single nucleotide variant.
Other names: c.3931G>T (NM_033517.1).
Identifiers: ClinVar variation 4527490 (VCV004527490.1).